The following is an entry in ClinVar:

ClinVar aggregate classification (germline): Likely benign (0 of 4 stars; one submission).

Conditions:
NPR2-related disorder. Also called: NPR2-related condition; NPR2-related disorders.

Allele frequency attached by ClinVar (database versions not stated): gnomAD exomes below 0.00001; ExAC 0.00001; gnomAD 0.00001; TOPMed 0.00003.

Submission:

PreventionGenetics, part of Exact Sciences
Classification: Likely benign for NPR2-related condition. Last evaluated: 2020-11-11. Review status: no assertion criteria provided. Collection method: clinical testing. Allele origin: germline.
Comment: This variant is classified as likely benign based on ACMG/AMP sequence variant interpretation guidelines (Richards et al. 2015 PMID: 25741868, with internal and published modifications).

NM_003995.4(NPR2):c.1707A>G (p.Lys569=)

Gene: NPR2 (natriuretic peptide receptor 2; plus strand). Cytogenetic location: 9p13.3.
Variant type: single nucleotide variant.
Coding change: c.1707A>G on transcript NM_003995.4 (MANE Select); coding-DNA position 1707, A replaced by G.
Protein change: p.Lys569=; no amino-acid change (lysine 569 retained).
Molecular consequence: synonymous variant.
Genome position (GRCh38, 1-based): chr9:35,802,280, A>G. VCF-style: chr9-35802280-A-G. GRCh37 (hg19) VCF-style: chr9-35802277-A-G.
Other names: c.1716A>G, p.Lys572= (NM_001378923.1).
Identifiers: ClinVar variation 3030423 (VCV003030423.2), dbSNP rs752679200, ClinGen allele CA5051781.
Genomic context (GRCh38, chr9:35,802,280, plus strand): 5'-CATCAAACATGTGAATAAGAAGCGCATTGAGCTGACCCGGCAGGTTCTGTTTGAACTCAA[A>G]CATGTATGTAACAGAGGATGGACTCTAACATGTATGTAATGGAGGAGTGGGGAAAACTAT-3'
Protein context (NP_003986.2, residues 559-579): ELTRQVLFEL[Lys569=]HMRDVQFNHL